The following is an entry in ClinVar:

NM_007294.4(BRCA1):c.2835_2836insCC (p.Ile946fs)

Gene: BRCA1 (BRCA1 DNA repair associated; minus strand). Cytogenetic location: 17q21.31.
Variant type: Insertion.
Coding change: c.2835_2836insCC on transcript NM_007294.4 (MANE Select); coding-DNA positions 2835 to 2836, CC inserted.
Protein change: p.Ile946fs; shifts the reading frame from isoleucine 946.
Molecular consequence: frameshift variant. On other transcripts: intron variant (137).
Genome position: GRCh38 VCF-style: chr17-43092695-T-TGG. GRCh37 (hg19) VCF-style: chr17-41244712-T-TGG.
Other names: c.2571_2572insCC, p.Ile858fs (NM_001407935.1, NM_001407920.1, NM_001407921.1 and 9 more transcripts); c.2568_2569insCC, p.Ile857fs (NM_001407936.1, NM_001407930.1, NM_001407931.1 and 2 more transcripts); c.2712_2713insCC, p.Ile905fs (NM_001407937.1, NM_001407938.1, NM_001407939.1 and 19 more transcripts); c.2709_2710insCC, p.Ile904fs (NM_001407940.1, NM_001407941.1, NM_001407649.1 and 11 more transcripts); c.2694_2695insCC, p.Ile899fs (NM_001407942.1, NM_001407944.1, NM_001407945.1 and 29 more transcripts); c.2691_2692insCC, p.Ile898fs (NM_001407943.1, NM_001407964.1, NM_001407740.1 and 20 more transcripts); c.2502_2503insCC, p.Ile835fs (NM_001407946.1, NM_001407957.1, NM_001407947.1 and 6 more transcripts); c.2835_2836insCC, p.Ile946fs (NM_007300.4, NM_001407581.1, NM_001407582.1 and 30 more transcripts); and 41 more; short protein forms I946fs, I899fs, I819fs, I835fs, I858fs, I875fs, I876fs, I879fs.
Identifiers: ClinVar variation 645289 (VCV000645289.8), dbSNP rs1597867385, ClinGen allele CA915950038.

ClinVar aggregate classification (germline): Pathogenic (1 of 4 stars; one submission).

Conditions:
Hereditary breast ovarian cancer syndrome. Also called: Hereditary breast and ovarian cancer; Hereditary breast and ovarian cancer syndrome; BRCA1- and BRCA2-Associated Hereditary Breast and Ovarian Cancer; Hereditary breast and ovarian cancer syndrome (HBOC); Breast and ovarian cancer; Hereditary breast and/or ovarian cancer syndrome. Identifiers: Orphanet 145, MedGen C0677776, MeSH D061325, MONDO:0003582. Disease mechanism: loss of function.

Submission:

Labcorp Genetics (formerly Invitae), Labcorp
Classification: Pathogenic for Hereditary breast ovarian cancer syndrome. Last evaluated: 2022-11-29. Review status: criteria provided, single submitter. Criteria: Invitae Variant Classification Sherloc (09022015). Collection method: clinical testing. Allele origin: germline.
Comment: For these reasons, this variant has been classified as Pathogenic. ClinVar contains an entry for this variant (Variation ID: 645289). This variant has not been reported in the literature in individuals affected with BRCA1-related conditions. This variant is not present in population databases (gnomAD no frequency). This sequence change creates a premature translational stop signal (p.Ile946Profs*55) in the BRCA1 gene. It is expected to result in an absent or disrupted protein product. Loss-of-function variants in BRCA1 are known to be pathogenic (PMID: 20104584).

Literature cited by the submitters: PubMed 20104584.